The following is an entry in ClinVar:

NM_001267550.2(TTN):c.43213+3A>G

Gene: TTN (titin; minus strand). Cytogenetic location: 2q31.2.
Variant type: single nucleotide variant.
Coding change: c.43213+3A>G on transcript NM_001267550.2 (MANE Select); 3 bases into the intron after coding-DNA position 43213, A replaced by G.
Molecular consequence: intron variant.
Genome position (GRCh38, 1-based): chr2:178,632,915, T>C on the plus strand (A>G on the coding strand, the complement: TTN is on the minus strand). VCF-style: chr2-178632915-T-C. GRCh37 (hg19) VCF-style: chr2-179497642-T-C.
Other names: c.16018+3A>G (NM_003319.4); c.16594+3A>G (NM_133437.4); c.16393+3A>G (NM_133432.3); c.35509+3A>G (NM_133378.4); c.38290+3A>G (NM_001256850.1).
Identifiers: ClinVar variation 3753061 (VCV003753061.2).

ClinVar aggregate classification (germline): Uncertain significance (1 of 4 stars; one submission).

Conditions:
Autosomal recessive limb-girdle muscular dystrophy type 2J (LGMDR10). Also called: Limb-girdle muscular dystrophy, type 2J; MUSCULAR DYSTROPHY, LIMB-GIRDLE, AUTOSOMAL RECESSIVE 10. Identifiers: Orphanet 140922, MedGen C1837342, MONDO:0012127, OMIM 608807.
Dilated cardiomyopathy 1G (CMD1G). Identifiers: Orphanet 154, MedGen C1858763, MONDO:0011400, OMIM 604145.

gnomAD v4.1: 3 of 1,612,826 alleles (0.00019%); highest among the groups gnomAD compares: East Asian, 0.0022%; no homozygotes.

Submission:

Labcorp Genetics (formerly Invitae), Labcorp
Classification: Uncertain significance for Dilated cardiomyopathy 1G; Autosomal recessive limb-girdle muscular dystrophy type 2J. Last evaluated: 2024-11-11. Review status: criteria provided, single submitter. Criteria: Invitae Variant Classification Sherloc (09022015). Collection method: clinical testing. Allele origin: germline.
Comment: This sequence change falls in intron 234 of the TTN gene. It does not directly change the encoded amino acid sequence of the TTN protein. It affects a nucleotide within the consensus splice site. This variant is present in population databases (rs778929180, gnomAD 0.006%). This variant has not been reported in the literature in individuals affected with TTN-related conditions. Variants that disrupt the consensus splice site are a relatively common cause of aberrant splicing (PMID: 17576681, 9536098). Algorithms developed to predict the effect of sequence changes on RNA splicing suggest that this variant may disrupt the consensus splice site. This variant is located in the I band of TTN (PMID: 25589632). Non-truncating variants in this region may be clinically relevant, but have not been definitively shown to cause cardiomyopathy or neuromuscular disease (PMID: 27493940, 32778822). In summary, the available evidence is currently insufficient to determine the role of this variant in disease. Therefore, it has been classified as a Variant of Uncertain Significance.

Literature cited by the submitters: PubMed 17576681; PubMed 9536098; PubMed 25589632; PubMed 27493940; PubMed 32778822.